The following is an entry in ClinVar:

NM_000368.5(TSC1):c.1019A>C (p.Glu340Ala)

Gene: TSC1 (TSC complex subunit 1; minus strand). Cytogenetic location: 9q34.13.
Variant type: single nucleotide variant.
Coding change: c.1019A>C on transcript NM_000368.5 (MANE Select); coding-DNA position 1019, A replaced by C.
Protein change: p.Glu340Ala; replaces glutamic acid 340 with alanine.
Molecular consequence: missense variant. On other transcripts: 5 prime UTR variant (2), non-coding transcript variant (5).
Genome position (GRCh38, 1-based): chr9:132,911,463, T>G on the plus strand (A>C on the coding strand, the complement: TSC1 is on the minus strand). VCF-style: chr9-132911463-T-G. GRCh37 (hg19) VCF-style: chr9-135786850-T-G.
Other names: c.866A>C, p.Glu289Ala (NM_001406611.1, NM_001406612.1, NM_001406613.1 and 2 more transcripts); c.656A>C, p.Glu219Ala (NM_001406614.1, NM_001406615.1, NM_001406616.1 and 10 more transcripts); c.1019A>C, p.Glu340Ala (NM_001162426.2, NM_001406592.1, NM_001406593.1 and 16 more transcripts); c.68A>C, p.Glu23Ala (NM_001406626.1, NM_001406627.1, NM_001406628.1); c.-75A>C (NM_001406629.1, NM_001406630.1); short protein forms E219A, E289A, E340A, E23A.
Identifiers: ClinVar variation 4709617 (VCV004709617.1).

ClinVar aggregate classification (germline): Uncertain significance (1 of 4 stars; one submission).

Conditions:
Tuberous sclerosis 1 (TSC1). Identifiers: Orphanet 805, MedGen C1854465, MONDO:0008612, OMIM 191100.

Submission:

Labcorp Genetics (formerly Invitae), Labcorp
Classification: Uncertain significance for Tuberous sclerosis 1. Last evaluated: 2025-10-10. Review status: criteria provided, single submitter. Criteria: Invitae Variant Classification Sherloc (09022015). Collection method: clinical testing. Allele origin: germline.
Comment: This sequence change replaces glutamic acid, which is acidic and polar, with alanine, which is neutral and non-polar, at codon 340 of the TSC1 protein (p.Glu340Ala). This variant is not present in population databases (gnomAD no frequency). This variant has not been reported in the literature in individuals affected with TSC1-related conditions. Invitae Evidence Modeling of protein sequence and biophysical properties (such as structural, functional, and spatial information, amino acid conservation, physicochemical variation, residue mobility, and thermodynamic stability) indicates that this missense variant is not expected to disrupt TSC1 protein function with a negative predictive value of 95%. In summary, the available evidence is currently insufficient to determine the role of this variant in disease. Therefore, it has been classified as a Variant of Uncertain Significance.